The following is an entry in ClinVar:

ClinVar aggregate classification (germline): Conflicting classifications of pathogenicity. Review status: criteria provided, conflicting classifications (1 of 4 stars). 5 submissions from 5 submitters: Uncertain significance (1); Likely benign (3). 1 of the submissions does not count toward it. Last evaluated 2026-01-14.

Conditions:
PLEC-related disorder. Also called: PLEC-related disorders; PLEC-related condition.
Epidermolysis bullosa simplex 5C, with pyloric atresia (EBS5C). Also called: PLEC1-Related Epidermolysis Bullosa with Pyloric Atresia; PLEC-Related Epidermolysis Bullosa with Pyloric Atresia; Epidermolysis bullosa simplex with pyloric atresia. Identifiers: Orphanet 158684, MedGen C2677349, MONDO:0012807, OMIM 612138.
Epidermolysis bullosa simplex, Ogna type (EBS5A). Also called: Pidermolysis bullosa simplex 5A, Ogna type; EPIDERMOLYSIS BULLOSA SIMPLEX 5A, OGNA TYPE. Identifiers: Orphanet 79401, MedGen C0432317, MONDO:0007555, OMIM 131950.
Autosomal recessive limb-girdle muscular dystrophy type 2Q (LGMDR17). Also called: MUSCULAR DYSTROPHY, LIMB-GIRDLE, AUTOSOMAL RECESSIVE 17. Identifiers: Orphanet 254361, MedGen C3150989, MONDO:0013390, OMIM 613723.
Epidermolysis bullosa simplex with nail dystrophy (EBS5D). Identifiers: MedGen C4225309, MONDO:0014661, OMIM 616487.
Epidermolysis bullosa simplex 5B, with muscular dystrophy (EBS5B). Also called: Epidermolysis bullosa simplex with muscular dystrophy; EPIDERMOLYSIS BULLOSA SIMPLEX AND LIMB-GIRDLE MUSCULAR DYSTROPHY. Identifiers: Orphanet 257, MedGen C2931072, MONDO:0009181, OMIM 226670.
Inborn genetic diseases. Identifiers: MedGen C0950123, MeSH D030342.

Allele frequency attached by ClinVar (database versions not stated): gnomAD exomes 0.00007 and 0.00029; gnomAD 0.00014 and 0.00017; TOPMed 0.00015; ExAC 0.00034; 1000 Genomes Project 0.00060; 1000 Genomes Project 30x 0.00078.
gnomAD v4.1: 133 of 1,601,520 alleles (0.0083%); highest among the groups gnomAD compares: East Asian, 0.26%; no homozygotes.

Submissions (5):

Labcorp Genetics (formerly Invitae), Labcorp
Classification: Likely benign for Autosomal recessive limb-girdle muscular dystrophy type 2Q; Epidermolysis bullosa simplex, Ogna type; Epidermolysis bullosa simplex with nail dystrophy; Epidermolysis bullosa simplex 5C, with pyloric atresia; Epidermolysis bullosa simplex 5B, with muscular dystrophy. Last evaluated: 2026-01-14. Review status: criteria provided, single submitter. Criteria: Invitae Variant Classification Sherloc (09022015). Collection method: clinical testing. Allele origin: germline.

Ambry Genetics
Classification: Uncertain significance for Inborn genetic diseases. Last evaluated: 2023-02-27. Review status: criteria provided, single submitter. Criteria: Ambry Variant Classification Scheme 2023. Collection method: clinical testing. Allele origin: germline.

Athena Diagnostics
Classification: Likely benign. Last evaluated: 2019-11-20. Review status: criteria provided, single submitter. Criteria: Athena Diagnostics Criteria. Collection method: clinical testing. Allele origin: unknown.

GeneDx
Classification: Likely benign. Last evaluated: 2018-01-04. Review status: criteria provided, single submitter. Criteria: GeneDx Variant Classification (06012015). Collection method: clinical testing. Allele origin: germline. Affected: yes.
Comment: This variant is considered likely benign or benign based on one or more of the following criteria: it is a conservative change, it occurs at a poorly conserved position in the protein, it is predicted to be benign by multiple in silico algorithms, and/or has population frequency not consistent with disease.

PreventionGenetics, part of Exact Sciences
Classification: Likely benign for PLEC-related condition. Last evaluated: 2019-06-03. Review status: no assertion criteria provided. Collection method: clinical testing. Allele origin: germline. Not counted in ClinVar's aggregate classification.
Comment: This variant is classified as likely benign based on ACMG/AMP sequence variant interpretation guidelines (Richards et al. 2015 PMID: 25741868, with internal and published modifications).

NM_201384.3(PLEC):c.3286C>T (p.Arg1096Cys)

Gene: PLEC (plectin; minus strand). Cytogenetic location: 8q24.3.
Variant type: single nucleotide variant.
Coding change: c.3286C>T on transcript NM_201384.3 (MANE Select); coding-DNA position 3286, C replaced by T.
Protein change: p.Arg1096Cys; replaces arginine 1096 with cysteine.
Molecular consequence: missense variant.
Genome position (GRCh38, 1-based): chr8:143,927,967, G>A on the plus strand (C>T on the coding strand, the complement: PLEC is on the minus strand). VCF-style: chr8-143927967-G-A. GRCh37 (hg19) VCF-style: chr8-145002135-G-A.
Other names: c.3367C>T, p.Arg1123Cys (NM_000445.5); c.3244C>T, p.Arg1082Cys (NM_201378.4); c.3220C>T, p.Arg1074Cys (NM_201379.3); c.3697C>T, p.Arg1233Cys (NM_201380.4); c.3190C>T, p.Arg1064Cys (NM_201381.3); c.3286C>T, p.Arg1096Cys (NM_201382.4); c.3298C>T, p.Arg1100Cys (NM_201383.3); short protein forms R1064C, R1074C, R1082C, R1096C, R1100C, R1123C, R1233C.
Identifiers: ClinVar variation 514366 (VCV000514366.18), dbSNP rs533410461, ClinGen allele CA4927136.